The following is an entry in ClinVar:

NM_022132.5(MCCC2):c.1181G>T (p.Arg394Ile)

Gene: MCCC2 (methylcrotonyl-CoA carboxylase subunit 2; plus strand). Cytogenetic location: 5q13.2.
Variant type: single nucleotide variant.
Coding change: c.1181G>T on transcript NM_022132.5 (MANE Select); coding-DNA position 1181, G replaced by T.
Protein change: p.Arg394Ile; replaces arginine 394 with isoleucine.
Molecular consequence: missense variant.
Genome position (GRCh38, 1-based): chr5:71,646,242, G>T. VCF-style: chr5-71646242-G-T. GRCh37 (hg19) VCF-style: chr5-70942069-G-T.
Other names: c.1067G>T, p.Arg356Ile (NM_001363147.1); short protein forms R394I, R356I.
Identifiers: ClinVar variation 203809 (VCV000203809.7), dbSNP rs531994517, ClinGen allele CA312694.

ClinVar aggregate classification (germline): Pathogenic (1 of 4 stars; one submission).

Conditions:
3-methylcrotonyl-CoA carboxylase 2 deficiency. Also called: 3 alpha methylcrotonyl-CoA carboxylase 2 deficiency; 3 alpha methylcrotonylglycinuria 2; MCC 2 deficiency; Methylcrotonylglycinuria type 2; METHYLCROTONYLGLYCINURIA, TYPE II. Identifiers: Orphanet 6, MedGen C1859499, MONDO:0008862, OMIM 210210.

Allele frequency attached by ClinVar (database versions not stated): gnomAD exomes below 0.00001.

Submission:

Labcorp Genetics (formerly Invitae), Labcorp
Classification: Pathogenic for 3-methylcrotonyl-CoA carboxylase 2 deficiency. Last evaluated: 2025-11-06. Review status: criteria provided, single submitter. Criteria: Invitae Variant Classification Sherloc (09022015). Collection method: clinical testing. Allele origin: germline.
Comment: This sequence change replaces arginine, which is basic and polar, with isoleucine, which is neutral and non-polar, at codon 394 of the MCCC2 protein (p.Arg394Ile). This variant is present in population databases (no rsID available, gnomAD 0.0009%). This missense change has been observed in individual(s) with clinical features of 3-methylcrotonyl-CoA carboxylase deficiency (internal data). In at least one individual the data is consistent with being in trans (on the opposite chromosome) from a pathogenic variant. ClinVar contains an entry for this variant (Variation ID: 203809). Invitae Evidence Modeling of protein sequence and biophysical properties (such as structural, functional, and spatial information, amino acid conservation, physicochemical variation, residue mobility, and thermodynamic stability) indicates that this missense variant is expected to disrupt MCCC2 protein function with a positive predictive value of 80%. For these reasons, this variant has been classified as Pathogenic.